The following is an entry in ClinVar:

NM_021830.5(TWNK):c.284G>C (p.Gly95Ala)

Gene: TWNK (twinkle mtDNA helicase; plus strand). Cytogenetic location: 10q24.31.
Variant type: single nucleotide variant.
Coding change: c.284G>C on transcript NM_021830.5 (MANE Select); coding-DNA position 284, G replaced by C.
Protein change: p.Gly95Ala; replaces glycine 95 with alanine.
Molecular consequence: missense variant. On other transcripts: non-coding transcript variant (4), intron variant (3).
Genome position (GRCh38, 1-based): chr10:100,988,494, G>C. VCF-style: chr10-100988494-G-C. GRCh37 (hg19) VCF-style: chr10-102748251-G-C.
Other names: c.284G>C, p.Gly95Ala (NM_001163812.2); c.-120+881G>C (NM_001163814.2, NM_001163813.2); c.-58+881G>C (NM_001368275.1); short protein forms G95A.
Identifiers: ClinVar variation 1302616 (VCV001302616.3), dbSNP rs370982227, ClinGen allele CA5653047.

ClinVar aggregate classification (germline): Uncertain significance. Review status: criteria provided, multiple submitters, no conflicts (2 of 4 stars). 2 submissions from 2 submitters: Uncertain significance (2). Last evaluated 2021-06-22.

Conditions:
Inborn genetic diseases. Identifiers: MedGen C0950123, MeSH D030342.

Allele frequency attached by ClinVar (database versions not stated): gnomAD 0.00001; gnomAD exomes 0.00001; TOPMed 0.00001; ExAC 0.00002; ESP Exome Variant Server 0.00008.
gnomAD v4.1: 7 of 1,614,116 alleles (0.00043%); highest among the groups gnomAD compares: African/African-American, 0.008%; no homozygotes.

Submissions (2):

Ambry Genetics
Classification: Uncertain significance for Inborn genetic diseases. Last evaluated: 2021-06-22. Review status: criteria provided, single submitter. Criteria: Ambry Variant Classification Scheme 2023. Collection method: clinical testing. Allele origin: germline.

GeneDx
Classification: Uncertain significance. Last evaluated: 2019-07-25. Review status: criteria provided, single submitter. Criteria: GeneDx Variant Classification Process June 2021. Collection method: clinical testing. Allele origin: germline. Affected: yes.
Comment: In silico analysis, which includes protein predictors and evolutionary conservation, supports that this variant does not alter protein structure/function; Has not been previously published as pathogenic or benign to our knowledge